The following is an entry in ClinVar:

ClinVar aggregate classification (germline): Likely benign. Review status: criteria provided, multiple submitters, no conflicts (2 of 4 stars). 4 submissions from 4 submitters: Likely benign (4). Last evaluated 2025-07-29.

Conditions:
Hereditary nonpolyposis colorectal neoplasms. Identifiers: MedGen C0009405, MeSH D003123.
Hereditary cancer-predisposing syndrome. Also called: Neoplastic Syndromes, Hereditary; Tumor predisposition; Hereditary Cancer Syndrome; Hereditary neoplastic syndrome. Identifiers: Orphanet 140162, MedGen C0027672, MeSH D009386, MONDO:0015356.
Lynch syndrome 5 (LYNCH5). Also called: Colorectal cancer, hereditary nonpolyposis, type 5; Hereditary non-polyposis colorectal cancer, type 5. Identifiers: Orphanet 144, MedGen C1833477, MONDO:0013710, OMIM 614350. Disease mechanism: loss of function.

Allele frequency attached by ClinVar (database versions not stated): gnomAD exomes below 0.00001; gnomAD 0.00001; TOPMed 0.00001.
gnomAD v4.1: 3 of 1,576,560 alleles (0.00019%); highest among the groups gnomAD compares: African/African-American, 0.0013%; no homozygotes.

Submissions (4):

Labcorp Genetics (formerly Invitae), Labcorp
Classification: Likely benign for Hereditary nonpolyposis colorectal neoplasms. Last evaluated: 2025-07-29. Review status: criteria provided, single submitter. Criteria: Invitae Variant Classification Sherloc (09022015). Collection method: clinical testing. Allele origin: germline.

Myriad Genetics, Inc.
Classification: Likely benign for Lynch syndrome 5. Last evaluated: 2025-01-07. Review status: criteria provided, single submitter. Criteria: Myriad Autosomal Dominant, Autosomal Recessive and X-Linked Classification Criteria (2023). Collection method: clinical testing. Allele origin: unknown.
Comment: This variant is considered likely benign. This variant is intronic and is not expected to impact mRNA splicing.

Blueprint Genetics
Classification: Likely benign. Last evaluated: 2021-03-12. Review status: criteria provided, single submitter. Criteria: ACMG Guidelines, 2015. Collection method: clinical testing. Allele origin: germline.

Color Diagnostics, LLC DBA Color Health
Classification: Likely benign for Hereditary cancer-predisposing syndrome. Last evaluated: 2017-12-08. Review status: criteria provided, single submitter. Criteria: ACMG Guidelines, 2015. Collection method: clinical testing. Allele origin: germline.

NM_000179.3(MSH6):c.3556+10T>C

Gene: MSH6 (mutS homolog 6; plus strand). Cytogenetic location: 2p16.3.
Variant type: single nucleotide variant.
Coding change: c.3556+10T>C on transcript NM_000179.3 (MANE Select); 10 bases into the intron after coding-DNA position 3556, T replaced by C.
Molecular consequence: intron variant.
Genome position (GRCh38, 1-based): chr2:47,805,037, T>C. VCF-style: chr2-47805037-T-C. GRCh37 (hg19) VCF-style: chr2-48032176-T-C.
Other names: c.2650+10T>C (NM_001281493.2, NM_001281494.2); c.3166+10T>C (NM_001281492.2).
Identifiers: ClinVar variation 215654 (VCV000215654.16), dbSNP rs863224333, ClinGen allele CA337410.